The following is an entry in ClinVar:

ClinVar aggregate classification (germline): Uncertain significance. Review status: criteria provided, multiple submitters, no conflicts (2 of 4 stars). 6 submissions from 6 submitters: Uncertain significance (6). Last evaluated 2026-04-06.

Conditions:
AXIN2-related disorder.
Hereditary cancer-predisposing syndrome. Also called: Neoplastic Syndromes, Hereditary; Tumor predisposition; Hereditary neoplastic syndrome; Hereditary Cancer Syndrome. Identifiers: Orphanet 140162, MedGen C0027672, MeSH D009386, MONDO:0015356.
Oligodontia-cancer predisposition syndrome. Also called: TOOTH AGENESIS-COLORECTAL CANCER SYNDROME. Identifiers: Orphanet 300576, MedGen C1837750, MONDO:0012075, OMIM 608615. Disease mechanism: loss of function.

Allele frequency attached by ClinVar (database versions not stated): gnomAD 0.00001; TOPMed 0.00002.
gnomAD v4.1: 7 of 1,614,026 alleles (0.00043%); highest among the groups gnomAD compares: Admixed American, 0.0033%; no homozygotes.

Submissions (6):

PreventionGenetics, part of Exact Sciences
Classification: Uncertain significance for AXIN2-related condition. Last evaluated: 2026-04-06. Review status: criteria provided, single submitter. Criteria: ACMG Guidelines, 2015. Collection method: clinical testing. Allele origin: germline.
Comment: The AXIN2 c.564G>C variant is predicted to result in the amino acid substitution p.Gln188His. To our knowledge, this variant has not been reported in the literature. This variant is reported in 0.0031% of alleles in individuals of European (Non-Finnish) descent in gnomAD. This variant has an interpretation of uncertain significance in ClinVar (Variation ID: 641339). At this time, the clinical significance of this variant is uncertain due to the absence of conclusive functional and genetic evidence.

Labcorp Genetics (formerly Invitae), Labcorp
Classification: Uncertain significance for Oligodontia-cancer predisposition syndrome. Last evaluated: 2026-01-14. Review status: criteria provided, single submitter. Criteria: Invitae Variant Classification Sherloc (09022015). Collection method: clinical testing. Allele origin: germline.
Comment: This sequence change replaces glutamine, which is neutral and polar, with histidine, which is basic and polar, at codon 188 of the AXIN2 protein (p.Gln188His). This variant is present in population databases (rs753137017, gnomAD 0.006%). This variant has not been reported in the literature in individuals affected with AXIN2-related conditions. ClinVar contains an entry for this variant (Variation ID: 641339). Invitae Evidence Modeling of protein sequence and biophysical properties (such as structural, functional, and spatial information, amino acid conservation, physicochemical variation, residue mobility, and thermodynamic stability) indicates that this missense variant is not expected to disrupt AXIN2 protein function with a negative predictive value of 80%. In summary, the available evidence is currently insufficient to determine the role of this variant in disease. Therefore, it has been classified as a Variant of Uncertain Significance.

Ambry Genetics
Classification: Uncertain significance for Hereditary cancer-predisposing syndrome. Last evaluated: 2025-11-15. Review status: criteria provided, single submitter. Criteria: Ambry Variant Classification Scheme 2023. Collection method: clinical testing. Allele origin: germline.
Comment: The p.Q188H variant (also known as c.564G>C), located in coding exon 1 of the AXIN2 gene, results from a G to C substitution at nucleotide position 564. The glutamine at codon 188 is replaced by histidine, an amino acid with highly similar properties. This amino acid position is well conserved in available vertebrate species. In addition, this alteration is predicted to be tolerated by in silico analysis. Since supporting evidence is limited at this time, the clinical significance of this alteration remains unclear.

Center for Genomic Medicine, Rigshospitalet, Copenhagen University Hospital
Classification: Uncertain significance. Last evaluated: 2025-03-04. Review status: criteria provided, single submitter. Criteria: ACMG Guidelines, 2015. Collection method: clinical testing. Allele origin: germline.

GeneDx
Classification: Uncertain significance. Last evaluated: 2023-06-06. Review status: criteria provided, single submitter. Criteria: GeneDx Variant Classification Process June 2021. Collection method: clinical testing. Allele origin: germline. Affected: yes.
Comment: Not observed at significant frequency in large population cohorts (gnomAD); In silico analysis supports that this missense variant does not alter protein structure/function; Observed in an individual with colorectal cancer (DeRycke et al., 2017); This variant is associated with the following publications: (PMID: 28944238, 15735151)

Sema4
Classification: Uncertain significance for Hereditary cancer-predisposing syndrome. Last evaluated: 2022-01-09. Review status: criteria provided, single submitter. Criteria: Sema4 Curation Guidelines. Collection method: curation. Allele origin: germline.
Comment: The AXIN2 c.564G>C (p.Q188H) variant has not been reported in the literature to our knowledge. It was observed in 4/129190 chromosomes of the Non-Finnish European (NFE) subpopulation in the large and broad cohorts of the Genome Aggregation Database (PMID: 32461654). This variant has been reported in ClinVar (Variation ID 641339). Functional studies have not been performed, and in silico predictions of the variant's effect on protein function are inconclusive. The evidence is insufficient to meet ACMG/AMP criteria for classifying the variant as benign or pathogenic. Thus, the clinical significance of this variant is currently uncertain.

NM_004655.4(AXIN2):c.564G>C (p.Gln188His)

Gene: AXIN2 (axin 2; minus strand). Cytogenetic location: 17q24.1.
Variant type: single nucleotide variant.
Coding change: c.564G>C on transcript NM_004655.4 (MANE Select); coding-DNA position 564, G replaced by C.
Protein change: p.Gln188His; replaces glutamine 188 with histidine.
Molecular consequence: missense variant.
Genome position (GRCh38, 1-based): chr17:65,558,057, C>G on the plus strand (G>C on the coding strand, the complement: AXIN2 is on the minus strand). VCF-style: chr17-65558057-C-G. GRCh37 (hg19) VCF-style: chr17-63554175-C-G.
Other names: c.564G>C (LRG_296t1); c.564G>C, p.Gln188His (NM_001363813.1); short protein forms Q188H.
Identifiers: ClinVar variation 641339 (VCV000641339.18), dbSNP rs753137017, ClinGen allele CA8719033.